The following is an entry in ClinVar:

NR_003051.3(RMRP):n.-23_-6dupCTACTCTGTGAAGCTGAG

Gene: RMRP (RNA component of mitochondrial RNA processing endoribonuclease; minus strand). Cytogenetic location: 9p13.3.
Variant type: Duplication.
Genome position: GRCh38 VCF-style: chr9-35658023-C-CCTCAGCTTCACAGAGTAG. GRCh37 (hg19) VCF-style: chr9-35658020-C-CCTCAGCTTCACAGAGTAG.
Identifiers: ClinVar variation 551924 (VCV000551924.12), dbSNP rs1554651453, ClinGen allele CA587570206.

ClinVar aggregate classification (germline): Pathogenic/Likely pathogenic. Review status: criteria provided, multiple submitters, no conflicts (2 of 4 stars). 4 submissions from 4 submitters: Pathogenic (1); Likely pathogenic (2). 1 of the submissions does not count toward it. Last evaluated 2025-12-15.

Conditions:
Anauxetic dysplasia. Identifiers: Orphanet 93347, MedGen C1846796, MONDO:0011773.
Metaphyseal chondrodysplasia, McKusick type (CHH). Also called: Cartilage-hair hypoplasia; Cartilage-Hair Hypoplasia (CHH). Identifiers: Orphanet 175, MedGen C0220748, MONDO:0009595, OMIM 250250.

Allele frequency attached by ClinVar (database versions not stated): TOPMed below 0.00001; gnomAD 0.00001; gnomAD exomes 0.00001.

Submissions (4):

Natera, Inc.
Classification: Likely pathogenic for Cartilage-hair hypoplasia. Last evaluated: 2025-12-15. Review status: criteria provided, single submitter. Criteria: Natera Variant Classification Schema (03/2026). Collection method: clinical testing. Allele origin: germline.
Comment: The n.-23_-6dupCTACTCTGTGAAGCTGAG variant in RMRP is a duplication affecting the RMRP promoter region between the TATA box and the transcription initiation site. Other duplications and insertions just upstream of the transcription initiation site have been reported in individuals affected with cartilage-hair hypoplasia (PMID: 11207361, 17937437). This variant is rare in the general population with a frequency below the threshold expected for the associated phenotype(s). Given the available evidence, this variant is classified as Likely pathogenic.

Labcorp Genetics (formerly Invitae), Labcorp
Classification: Pathogenic for Anauxetic dysplasia. Last evaluated: 2025-10-23. Review status: criteria provided, single submitter. Criteria: Invitae Variant Classification Sherloc (09022015). Collection method: clinical testing. Allele origin: germline.
Comment: This variant occurs in the RMRP gene, which encodes an RNA molecule that does not result in a protein product. This variant is present in population databases (no rsID available, gnomAD 0.008%). This variant has been observed in individual(s) with cartilage-hair hypoplasia-anauxetic dysplasia spectrum disorders (internal data). In at least one individual the data is consistent with being in trans (on the opposite chromosome) from a pathogenic variant. Other insertions and duplications immediately upstream of the coding sequence have been reported in individuals affected with cartilage-hair hypoplasia-anauxetic dysplasia (CHH-AD) spectrum disorders (PMID: 16244706, 11207361, 12107819). ClinVar contains an entry for this variant (Variation ID: 551924). While functional studies for this variant have not been reported, experimental analyses using patient derived cells, as well as in vitro transfection studies, have shown that promoter insertions result in silencing of RMRP transcription and reduced expression of the gene product (PMID: 11207361, 16254002). For these reasons, this variant has been classified as Pathogenic.

Women's Health and Genetics/Laboratory Corporation of America, LabCorp
Classification: Likely pathogenic for Metaphyseal chondrodysplasia, McKusick type. Last evaluated: 2024-09-10. Review status: criteria provided, single submitter. Criteria: LabCorp Variant Classification Summary - May 2015. Collection method: clinical testing. Allele origin: germline.
Comment: Variant summary: RMRP n.-23_-6dup18 is located in the untranscribed region upstream of the RMRP gene region and involves the duplication of 18 nucleotides in the promoter region of RMRP, which is located between the TATA box (-33 to -25) and the transcription initiation site. Other insertions or duplications in the promoter region of RMRP have been classified as pathogenic (internally and in ClinVar). The variant allele was found at a frequency of 1.3e-05 in 158634 control chromosomes (gnomAD). The available data on variant occurrences in the general population are insufficient to allow any conclusion about variant significance. To our knowledge, no occurrence of n.-23_-6dup18 in individuals affected with Cartilage-Hair Hypoplasia and no experimental evidence demonstrating its impact on RNA function have been reported. However, many other insertions or duplications in the promoter region of RMRP have been reported in affected individuals in the literature (e.g. PMIDs: 21956908, 21396580) and have been demonstrated through functional studies to lead to reduced RMRP transcription (e.g. PMIDs: 11207361, 16254002, 17937437). ClinVar contains an entry for this variant (Variation ID: 551924). Based on the evidence outlined above, the variant was classified as likely pathogenic.

Counsyl
Classification: Likely pathogenic for Metaphyseal chondrodysplasia, McKusick type. Last evaluated: 2017-05-17. Review status: no assertion criteria provided. Collection method: clinical testing. Allele origin: unknown. Not counted in ClinVar's aggregate classification.

Literature cited by the submitters: PubMed 11207361 (cited by 3 submitters); PubMed 17937437 (cited by Natera, Inc. and Counsyl); PubMed 16244706 (cited by Labcorp Genetics (formerly Invitae), Labcorp); PubMed 12107819 (cited by Labcorp Genetics (formerly Invitae), Labcorp); PubMed 16254002 (cited by Labcorp Genetics (formerly Invitae), Labcorp); PubMed 14608646 (cited by Counsyl).